The following is an entry in ClinVar:

ClinVar aggregate classification (germline): Uncertain significance. Review status: criteria provided, multiple submitters, no conflicts (2 of 4 stars). 2 submissions from 2 submitters: Uncertain significance (2). Last evaluated 2026-07-02.

Conditions:
Familial adenomatous polyposis 1 (FAP1). Also called: FAMILIAL ADENOMATOUS POLYPOSIS 1, ATTENUATED; POLYPOSIS, ADENOMATOUS INTESTINAL. Identifiers: MedGen C2713442, MONDO:0021056, OMIM 175100. Disease mechanism: loss of function.
Hereditary cancer-predisposing syndrome. Also called: Neoplastic Syndromes, Hereditary; Hereditary Cancer Syndrome; Tumor predisposition; Hereditary neoplastic syndrome. Identifiers: Orphanet 140162, MedGen C0027672, MeSH D009386, MONDO:0015356.

Allele frequency attached by ClinVar (database versions not stated): gnomAD 0.00001.
gnomAD v4.1: 1 of 1,614,104 alleles (0.000062%); highest among the groups gnomAD compares: Non-Finnish European, 0.000085%; no homozygotes.

Submissions (2):

Ambry Genetics
Classification: Uncertain significance for Hereditary cancer-predisposing syndrome. Last evaluated: 2026-07-02. Review status: criteria provided, single submitter. Criteria: Ambry Variant Classification Scheme 2023. Collection method: clinical testing. Allele origin: germline.
Comment: The p.C947R variant (also known as c.2839T>C), located in coding exon 15 of the APC gene, results from a T to C substitution at nucleotide position 2839. The cysteine at codon 947 is replaced by arginine, an amino acid with highly dissimilar properties. This amino acid position is conserved. In addition, in silico predictors for this gene do not accurately predict pathogenicity. Based on the available evidence, the clinical significance of this variant remains unclear.

Labcorp Genetics (formerly Invitae), Labcorp
Classification: Uncertain significance for Familial adenomatous polyposis 1. Last evaluated: 2025-11-18. Review status: criteria provided, single submitter. Criteria: Invitae Variant Classification Sherloc (09022015). Collection method: clinical testing. Allele origin: germline.
Comment: This sequence change replaces cysteine, which is neutral and slightly polar, with arginine, which is basic and polar, at codon 947 of the APC protein (p.Cys947Arg). This variant is present in population databases (no rsID available, gnomAD 0.007%). This variant has not been reported in the literature in individuals affected with APC-related conditions. ClinVar contains an entry for this variant (Variation ID: 947940). Invitae Evidence Modeling of protein sequence and biophysical properties (such as structural, functional, and spatial information, amino acid conservation, physicochemical variation, residue mobility, and thermodynamic stability) indicates that this missense variant is not expected to disrupt APC protein function with a negative predictive value of 95%. In summary, the available evidence is currently insufficient to determine the role of this variant in disease. Therefore, it has been classified as a Variant of Uncertain Significance.

NM_000038.6(APC):c.2839T>C (p.Cys947Arg)

Gene: APC (APC regulator of Wnt signaling pathway; plus strand). Cytogenetic location: 5q22.2.
Variant type: single nucleotide variant.
Coding change: c.2839T>C on transcript NM_000038.6 (MANE Select); coding-DNA position 2839, T replaced by C.
Protein change: p.Cys947Arg; replaces cysteine 947 with arginine.
Molecular consequence: missense variant.
Genome position (GRCh38, 1-based): chr5:112,838,433, T>C. VCF-style: chr5-112838433-T-C. GRCh37 (hg19) VCF-style: chr5-112174130-T-C.
Other names: c.2839T>C, p.Cys947Arg (NM_001127510.3, NM_001354895.2); c.2785T>C, p.Cys929Arg (NM_001127511.3); c.2893T>C, p.Cys965Arg (NM_001354896.2); c.2869T>C, p.Cys957Arg (NM_001354897.2); c.2764T>C, p.Cys922Arg (NM_001354898.2); c.2755T>C, p.Cys919Arg (NM_001354899.2); c.2716T>C, p.Cys906Arg (NM_001354900.2); c.2662T>C, p.Cys888Arg (NM_001354901.2); and 5 more; short protein forms C922R, C787R, C906R, C965R, C664R, C846R, C919R, C957R.
Identifiers: ClinVar variation 947940 (VCV000947940.12), dbSNP rs1323895063, ClinGen allele CA16027522.